The following is an entry in ClinVar:

ClinVar aggregate classification (germline): Likely benign. Review status: criteria provided, multiple submitters, no conflicts (2 of 4 stars). 4 submissions from 4 submitters: Likely benign (4). Last evaluated 2026-01-11.

Conditions:
Cardiovascular phenotype. Identifiers: MedGen CN230736.

Allele frequency attached by ClinVar (database versions not stated): TOPMed below 0.00001; gnomAD 0.00001; gnomAD exomes 0.00003; ExAC 0.00038.
gnomAD v4.1: 45 of 1,549,554 alleles (0.0029%); highest among the groups gnomAD compares: South Asian, 0.038%; no homozygotes.

Submissions (4):

Labcorp Genetics (formerly Invitae), Labcorp
Classification: Likely benign. Last evaluated: 2026-01-11. Review status: criteria provided, single submitter. Criteria: Invitae Variant Classification Sherloc (09022015). Collection method: clinical testing. Allele origin: germline.

CeGaT Center for Human Genetics Tuebingen
Classification: Likely benign. Last evaluated: 2025-07-01. Review status: criteria provided, single submitter. Criteria: CeGaT Center For Human Genetics Tuebingen Variant Classification Criteria Version 2. Collection method: clinical testing. Allele origin: germline. Affected: yes. Observed: 2 variant alleles.
Comment: ZNF469: BP4, BP7

Mayo Clinic Laboratories, Mayo Clinic
Classification: Likely benign. Last evaluated: 2024-11-19. Review status: criteria provided, single submitter. Criteria: ACMG Guidelines, 2015. Collection method: clinical testing. Allele origin: germline. Observed: 2 variant alleles.
Comment: BP4, BP7

Ambry Genetics
Classification: Likely benign for Cardiovascular phenotype. Last evaluated: 2022-12-23. Review status: criteria provided, single submitter. Criteria: Ambry Variant Classification Scheme 2023. Collection method: clinical testing. Allele origin: germline.

NM_001367624.2(ZNF469):c.6321C>T (p.Val2107=)

Gene: ZNF469 (zinc finger protein 469; plus strand). Cytogenetic location: 16q24.2.
Variant type: single nucleotide variant.
Coding change: c.6321C>T on transcript NM_001367624.2 (MANE Select); coding-DNA position 6321, C replaced by T.
Protein change: p.Val2107=; no amino-acid change (valine 2107 retained).
Molecular consequence: synonymous variant.
Genome position (GRCh38, 1-based): chr16:88,433,791, C>T. VCF-style: chr16-88433791-C-T. GRCh37 (hg19) VCF-style: chr16-88500199-C-T.
Other names: NM_001127464.1:c.6237C>T; p.Val2107=.
Identifiers: ClinVar variation 1931595 (VCV001931595.32), dbSNP rs767048513, ClinGen allele CA8225140.